The following is an entry in ClinVar:

NM_001267550.2(TTN):c.103921_103923del (p.Ser34641del)

Genes: TTN (titin; minus strand), TTN-AS1 (TTN antisense RNA 1; plus strand). Cytogenetic location: 2q31.2.
Variant type: Deletion.
Coding change: c.103921_103923del on transcript NM_001267550.2 (MANE Select); coding-DNA positions 103921 to 103923, 3 bases deleted (TCT; older notation c.103921_103923delTCT).
Protein change: p.Ser34641del; deletes serine 34641.
Molecular consequence: inframe deletion.
Genome position (GRCh38, 1-based): chr2:178,532,692-178,532,694, AGA deleted on the plus strand (TCT on the coding strand, the reverse complement: TTN is on the minus strand); deleting any 3 consecutive bases within chr2:178,532,692-178,532,696 gives the same sequence; the c. name uses the placement nearest the transcript's 3' end. VCF-style (leftmost placement, unchanged base first): chr2-178532691-GAGA-G. GRCh37 (hg19) VCF-style: chr2-179397418-GAGA-G.
Other names: c.98998_99000del, p.Ser33000del (NM_001256850.1); c.76726_76728del, p.Ser25576del (NM_003319.4); c.96217_96219del, p.Ser32073del (NM_133378.4); c.77101_77103del, p.Ser25701del (NM_133432.3); c.77302_77304del, p.Ser25768del (NM_133437.4); short protein forms S32073del, S34641del, S25768del, S25701del, S33000del, S25576del.
Identifiers: ClinVar variation 191816 (VCV000191816.10), dbSNP rs774574734, ClinGen allele CA237617.

ClinVar aggregate classification (germline): Uncertain significance. Review status: criteria provided, multiple submitters, no conflicts (2 of 4 stars). 4 submissions from 4 submitters: Uncertain significance (4). Last evaluated 2025-12-15.

Conditions:
Dilated cardiomyopathy 1G (CMD1G). Identifiers: Orphanet 154, MedGen C1858763, MONDO:0011400, OMIM 604145.
Autosomal recessive limb-girdle muscular dystrophy type 2J (LGMDR10). Also called: Limb-girdle muscular dystrophy, type 2J; MUSCULAR DYSTROPHY, LIMB-GIRDLE, AUTOSOMAL RECESSIVE 10. Identifiers: Orphanet 140922, MedGen C1837342, MONDO:0012127, OMIM 608807.
Cardiovascular phenotype. Identifiers: MedGen CN230736.

Submissions (4):

Labcorp Genetics (formerly Invitae), Labcorp
Classification: Uncertain significance for Dilated cardiomyopathy 1G; Autosomal recessive limb-girdle muscular dystrophy type 2J. Last evaluated: 2025-12-15. Review status: criteria provided, single submitter. Criteria: Invitae Variant Classification Sherloc (09022015). Collection method: clinical testing. Allele origin: germline.
Comment: This variant, c.103921_103923del, results in the deletion of 1 amino acid(s) of the TTN protein (p.Ser34641del), but otherwise preserves the integrity of the reading frame. This variant is present in population databases (rs774574734, gnomAD 0.0009%). This variant has not been reported in the literature in individuals affected with TTN-related conditions. ClinVar contains an entry for this variant (Variation ID: 191816). Experimental studies and prediction algorithms are not available or were not evaluated, and the functional significance of this variant is currently unknown. This variant is located in the M band of TTN (PMID: 25589632). Non-truncating variants in this region may be relevant for neuromuscular disorders, but have not been definitively shown to cause cardiomyopathy (PMID: 23975875). In summary, the available evidence is currently insufficient to determine the role of this variant in disease. Therefore, it has been classified as a Variant of Uncertain Significance.

Molecular Diagnostic Laboratory for Inherited Cardiovascular Disease, Montreal Heart Institute
Classification: Uncertain significance for Cardiovascular phenotype. Last evaluated: 2025-04-09. Review status: criteria provided, single submitter. Criteria: ACMG Guidelines, 2015. Collection method: clinical testing. Allele origin: germline. Affected: yes.

Revvity Omics, Revvity
Classification: Uncertain significance. Last evaluated: 2020-12-28. Review status: criteria provided, single submitter. Criteria: ACMG Guidelines, 2015. Collection method: clinical testing. Allele origin: germline.

Biesecker Lab/Clinical Genomics Section, National Institutes of Health
Classification: Uncertain significance. Last evaluated: 2013-06-24. Review status: criteria provided, single submitter. Criteria: Ng et al. (Circ Cardiovasc Genet. 2013). Collection method: research. Allele origin: unknown. Observed: 1 variant allele. Study: ClinSeq.
Comment: The study set was not selected for affection status in relation to any cancer. Pathogenicity categories were based on literature curation. See Pubmed ID:23861362 for details.

Medical sequencing

Literature cited by the submitters: PubMed 25589632 (cited by Labcorp Genetics (formerly Invitae), Labcorp); PubMed 23975875 (cited by Labcorp Genetics (formerly Invitae), Labcorp).